The following is an entry in ClinVar:

ClinVar aggregate classification (germline): Uncertain significance (1 of 4 stars; one submission).

Conditions:
Inborn genetic diseases. Identifiers: MedGen C0950123, MeSH D030342.

Allele frequency attached by ClinVar (database versions not stated): gnomAD exomes below 0.00001; ExAC 0.00001.
gnomAD v4.1: 1 of 1,614,132 alleles (0.000062%); highest among the groups gnomAD compares: South Asian, 0.0011%; no homozygotes.

Submission:

Ambry Genetics
Classification: Uncertain significance for Inborn genetic diseases. Last evaluated: 2022-03-23. Review status: criteria provided, single submitter. Criteria: Ambry Variant Classification Scheme 2023. Collection method: clinical testing. Allele origin: germline.
Comment: The p.P953L variant (also known as c.2858C>T), located in coding exon 14 of the ATR gene, results from a C to T substitution at nucleotide position 2858. The proline at codon 953 is replaced by leucine, an amino acid with similar properties. This amino acid position is conserved. In addition, this alteration is predicted to be tolerated by in silico analysis. Since supporting evidence is limited at this time, the clinical significance of this alteration remains unclear.

NM_001184.4(ATR):c.2858C>T (p.Pro953Leu)

Gene: ATR (ATR checkpoint kinase; minus strand). Cytogenetic location: 3q23.
Variant type: single nucleotide variant.
Coding change: c.2858C>T on transcript NM_001184.4 (MANE Select); coding-DNA position 2858, C replaced by T.
Protein change: p.Pro953Leu; replaces proline 953 with leucine.
Molecular consequence: missense variant.
Genome position (GRCh38, 1-based): chr3:142,550,250, G>A on the plus strand (C>T on the coding strand, the complement: ATR is on the minus strand). VCF-style: chr3-142550250-G-A. GRCh37 (hg19) VCF-style: chr3-142269092-G-A.
Other names: c.2666C>T, p.Pro889Leu (NM_001354579.2); short protein forms P889L, P953L.
Identifiers: ClinVar variation 1796904 (VCV001796904.2), dbSNP rs754800263, ClinGen allele CA2650258.